The following is an entry in ClinVar:

ClinVar aggregate classification (germline): Uncertain significance. Review status: criteria provided, multiple submitters, no conflicts (2 of 4 stars). 2 submissions from 2 submitters: Uncertain significance (2). Last evaluated 2025-09-24.

Conditions:
Idiopathic generalized epilepsy. Also called: EIG; Generalised epilepsy. Identifiers: MedGen C0270850, MONDO:0005579, OMIM 600669.
Hyperaldosteronism, familial, type IV (HALD4). Also called: FH IV; ALDOSTERONISM, PRIMARY, AND HYPERTENSION. Identifiers: Orphanet 642671, MedGen C4310756, MONDO:0014875, OMIM 617027.
Epilepsy, childhood absence, susceptibility to, 6. Identifiers: Orphanet 64280, MedGen C2749872, MONDO:0012763, OMIM 611942.

Allele frequency attached by ClinVar (database versions not stated): TOPMed 0.00006; ESP Exome Variant Server 0.00008; gnomAD 0.00010; 1000 Genomes Project 0.00020; 1000 Genomes Project 30x 0.00031.
gnomAD v4.1: 47 of 1,608,104 alleles (0.0029%); highest among the groups gnomAD compares: Middle Eastern, 0.019%; no homozygotes.

Submissions (2):

Labcorp Genetics (formerly Invitae), Labcorp
Classification: Uncertain significance for Idiopathic generalized epilepsy; Hyperaldosteronism, familial, type IV. Last evaluated: 2025-09-24. Review status: criteria provided, single submitter. Criteria: Invitae Variant Classification Sherloc (09022015). Collection method: clinical testing. Allele origin: germline.
Comment: This sequence change replaces arginine, which is basic and polar, with histidine, which is basic and polar, at codon 1580 of the CACNA1H protein (p.Arg1580His). This variant is present in population databases (rs200627008, gnomAD 0.02%). This variant has not been reported in the literature in individuals affected with CACNA1H-related conditions. ClinVar contains an entry for this variant (Variation ID: 529584). Invitae Evidence Modeling of protein sequence and biophysical properties (such as structural, functional, and spatial information, amino acid conservation, physicochemical variation, residue mobility, and thermodynamic stability) indicates that this missense variant is not expected to disrupt CACNA1H protein function with a negative predictive value of 80%. In summary, the available evidence is currently insufficient to determine the role of this variant in disease. Therefore, it has been classified as a Variant of Uncertain Significance.

Fulgent Genetics
Classification: Uncertain significance for Epilepsy, childhood absence, susceptibility to, 6; Hyperaldosteronism, familial, type IV. Last evaluated: 2024-04-02. Review status: criteria provided, single submitter. Criteria: ACMG Guidelines, 2015. Collection method: clinical testing. Allele origin: germline.

NM_021098.3(CACNA1H):c.4739G>A (p.Arg1580His)

Gene: CACNA1H (calcium voltage-gated channel subunit alpha1 H; plus strand). Cytogenetic location: 16p13.3.
Variant type: single nucleotide variant.
Coding change: c.4739G>A on transcript NM_021098.3 (MANE Select); coding-DNA position 4739, G replaced by A.
Protein change: p.Arg1580His; replaces arginine 1580 with histidine.
Molecular consequence: missense variant.
Genome position (GRCh38, 1-based): chr16:1,212,118, G>A. VCF-style: chr16-1212118-G-A. GRCh37 (hg19) VCF-style: chr16-1262118-G-A.
Other names: c.4739G>A, p.Arg1580His (NM_001005407.2); short protein forms R1580H.
Identifiers: ClinVar variation 529584 (VCV000529584.10), dbSNP rs200627008, ClinGen allele CA7801512.
Genomic context (GRCh38, chr16:1,212,118, plus strand): 5'-AGTGCCGGCAGCACCAGGAGGCGGAGGAGGCGCGGCGGCGAGAGGAGAAGCGGCTGCGGC[G>A]CCTAGAGAGGAGGCGCAGGAGTAAGGCGCTCCCGGTGGCGGTGGCGGTGGCGGGTCGGTA-3'
Protein context (NP_066921.2, residues 1570-1590): ARRREEKRLR[Arg1580His]LERRRRSTFP